The following continues an entry in ClinVar:

NM_002693.3(POLG):c.2554C>T (p.Arg852Cys)

Gene: POLG. ClinVar aggregate classification (germline): Pathogenic/Likely pathogenic. Pathogenic (15); Likely pathogenic (1).

Submissions 10 to 19 of 19:

Athena Diagnostics
Classification: Pathogenic. Last evaluated: 2023-03-02. Review status: criteria provided, single submitter. Criteria: Athena Diagnostics Criteria. Collection method: clinical testing. Allele origin: unknown.
Comment: The frequency of this variant in the general population is consistent with pathogenicity. (Genome Aggregation Database (gnomAD), Cambridge, MA (URL)) This variant has been identified in individuals with autosomal recessive POLG-related disorders. Assessment of experimental evidence suggests this variant results in abnormal protein function. (PMID: 19478085) In multiple individuals, this variant has been seen with a single recessive pathogenic variant in the same gene, suggesting this variant may also be pathogenic. The variant is located in a region that is considered important for protein function and/or structure.

Ambry Genetics
Classification: Pathogenic for Inborn genetic diseases. Last evaluated: 2022-05-31. Review status: criteria provided, single submitter. Criteria: Ambry Variant Classification Scheme 2023. Collection method: clinical testing. Allele origin: germline.
Comment: The c.2554C>T (p.R852C) alteration is located in exon 16 (coding exon 15) of the POLG gene. This alteration results from a C to T substitution at nucleotide position 2554, causing the arginine (R) at amino acid position 852 to be replaced by a cysteine (C). Based on the available evidence, the POLG c.2554C>T (p.R852C) alteration is classified as pathogenic for autosomal recessive POLG-related mitochondrial disorders; however, the association of this alteration with autosomal dominant progressive external ophthalmoplegia is unlikely. Based on data from gnomAD, the T allele has an overall frequency of <0.01% (13/282784) total alleles studied. The highest observed frequency was 0.01% (13/129132) of European (non-Finnish) alleles. This alteration has been reported in the compound heterozygous state in individuals with autosomal recessive POLG-related mitochondrial disorders (Hunter, 2011; Nguyen, 2006; Papandreou, 2018; St&ouml;dberg, 2020). This amino acid position is highly conserved in available vertebrate species. Functional studies suggest that this alteration impairs DNA binding affinity and polymerase activity (Kasiviswanathan, 2009). This alteration is predicted to be deleterious by in silico analysis. Based on the available evidence, this alteration is classified as pathogenic.

GeneDx
Classification: Pathogenic. Last evaluated: 2022-04-20. Review status: criteria provided, single submitter. Criteria: GeneDx Variant Classification Process June 2021. Collection method: clinical testing. Allele origin: germline. Affected: yes.
Comment: Published functional studies of R852C demonstrate polymerase assays retained less than 1% that of wildtype polymerase activity, demonstrating a damaging effect (Kasiviswanathan et al., 2009); In silico analysis supports that this missense variant has a deleterious effect on protein structure/function; Not observed at significant frequency in large population cohorts (gnomAD); This variant is associated with the following publications: (PMID: 20818383, 23545419, 17426723, 24985751, 27538604, 29474836, 18546365, 16545482, 19478085, 19251978, 30167885, 24642831, 32445240, 32964447)

Fulgent Genetics
Classification: Pathogenic for Progressive external ophthalmoplegia with mitochondrial DNA deletions, autosomal dominant 1; Progressive sclerosing poliodystrophy; Progressive external ophthalmoplegia with mitochondrial DNA deletions, autosomal recessive 1; Mitochondrial DNA depletion syndrome 1; Sensory ataxic neuropathy, dysarthria, and ophthalmoparesis; Mitochondrial DNA depletion syndrome 4b. Last evaluated: 2018-10-31. Review status: criteria provided, single submitter. Criteria: ACMG Guidelines, 2015. Collection method: clinical testing. Allele origin: unknown.

Wong Mito Lab, Molecular and Human Genetics, Baylor College of Medicine
Classification: Pathogenic for Progressive sclerosing poliodystrophy. Last evaluated: 2018-10-01. Review status: criteria provided, single submitter. Criteria: ACMG Guidelines, 2015. Collection method: clinical testing. Allele origin: germline.
Comment: The NM_002693.2:c.2554C>T (NP_002684.1:p.Arg852Cys) [GRCH38: NC_000015.10:g.89321780G>A] variant in POLG gene is interpretated to be a Pathogenic based on ACMG guidelines (PMID: 25741868). This variant has been reported in PMID:16545482 . This variant meets the following evidence codes reported in the ACMG-guideline. PS1:This variation causes same amino-acid change as an established pathogenic variant. PS3:Well established functional studies show a deleterious effect on POLG. PM2:This variant is absent in key population databases. PM3:Detected in trans with a pathogenic variant for Mitochondrial DNA depletion syndrome 4A (Alpers type) which is a recessive disorder. PP1:This variant is co-segregated with Mitochondrial DNA depletion syndrome 4A (Alpers type) in multiple affected family members. PP4:Patient's phenotype or family history is highly specific for POLG. Based on the evidence criteria codes applied, the variant is suggested to be Pathogenic.

Genome Diagnostics Laboratory, The Hospital for Sick Children
Classification: Pathogenic for Hereditary spastic paraplegia. Last evaluated: 2017-12-01. Review status: criteria provided, single submitter. Criteria: ACMG Guidelines, 2015. Collection method: clinical testing. Allele origin: germline. Affected: yes.

Center for Pediatric Genomic Medicine, Children's Mercy Hospital and Clinics
Classification: Pathogenic. Last evaluated: 2017-08-02. Review status: criteria provided, single submitter. Criteria: ACMG Guidelines, 2015. Collection method: clinical testing. Allele origin: germline.

Centre de Biologie Pathologie Génétique, Centre Hospitalier Universitaire de Lille
Classification: Uncertain significance for Intellectual disability. Last evaluated: 2019-01-01. Review status: no assertion criteria provided. Collection method: clinical testing. Allele origin: unknown. Affected: yes. Not counted in ClinVar's aggregate classification.

Clinical Genetics DNA and cytogenetics Diagnostics Lab, Erasmus MC, Erasmus Medical Center
Classification: Uncertain significance. Review status: no assertion criteria provided. Collection method: clinical testing. Allele origin: germline. Affected: yes. Study: VKGL Data-share Consensus. Not counted in ClinVar's aggregate classification.

Genome Diagnostics Laboratory, Amsterdam University Medical Center
Classification: Uncertain significance. Review status: no assertion criteria provided. Collection method: clinical testing. Allele origin: germline. Affected: yes. Study: VKGL Data-share Consensus. Not counted in ClinVar's aggregate classification.

Literature cited by the submitters: PubMed 30451971 (cited by Victorian Clinical Genetics Services, Murdoch Childrens Research Institute); PubMed 20301791 (cited by Victorian Clinical Genetics Services, Murdoch Childrens Research Institute); PubMed 16545482 (cited by 6 submitters); PubMed 18546365 (cited by 4 submitters); PubMed 21880868 (cited by 3 submitters); PubMed 22000311 (cited by 5 submitters); PubMed 19478085 (cited by 5 submitters); PubMed 30167885 (cited by 5 submitters); PubMed 32964447 (cited by 4 submitters); PubMed 20818383 (cited by Mayo Clinic Laboratories, Mayo Clinic and Athena Diagnostics); PubMed 31440721 (cited by Mayo Clinic Laboratories, Mayo Clinic); PubMed 32445240 (cited by Mayo Clinic Laboratories, Mayo Clinic and Athena Diagnostics); PubMed 34052969 (cited by Mayo Clinic Laboratories, Mayo Clinic and Athena Diagnostics); PubMed 29474836 (cited by Athena Diagnostics); PubMed 17426723 (cited by Athena Diagnostics); PubMed 19251978 (cited by Athena Diagnostics); PubMed 19862739 (cited by Athena Diagnostics); PubMed 21259344 (cited by Athena Diagnostics); PubMed 21484424 (cited by Athena Diagnostics); PubMed 22494076 (cited by Athena Diagnostics); PubMed 23084792 (cited by Athena Diagnostics); PubMed 31085725 (cited by Athena Diagnostics).